The following is an entry in ClinVar:

ClinVar aggregate classification (germline): Pathogenic (1 of 4 stars; one submission).

gnomAD v4.1: 1 of 1,614,032 alleles (0.000062%); highest among the groups gnomAD compares: Admixed American, 0.0017%; no homozygotes.

Submission:

Labcorp Genetics (formerly Invitae), Labcorp
Classification: Pathogenic. Last evaluated: 2022-09-12. Review status: criteria provided, single submitter. Criteria: Invitae Variant Classification Sherloc (09022015). Collection method: clinical testing. Allele origin: germline.
Comment: This sequence change creates a premature translational stop signal (p.Glu451*) in the C8B gene. It is expected to result in an absent or disrupted protein product. Loss-of-function variants in C8B are known to be pathogenic (PMID: 7594510). This variant is not present in population databases (gnomAD no frequency). This variant has not been reported in the literature in individuals affected with C8B-related conditions. ClinVar contains an entry for this variant (Variation ID: 1448095). For these reasons, this variant has been classified as Pathogenic.

Literature cited by the submitters: PubMed 7594510.

NM_000066.4(C8B):c.1351G>T (p.Glu451Ter)

Gene: C8B (complement C8 beta chain; minus strand). Cytogenetic location: 1p32.2.
Variant type: single nucleotide variant.
Coding change: c.1351G>T on transcript NM_000066.4 (MANE Select); coding-DNA position 1351, G replaced by T.
Protein change: p.Glu451Ter; replaces glutamic acid 451 with a stop codon.
Molecular consequence: nonsense.
Genome position (GRCh38, 1-based): chr1:56,940,896, C>A on the plus strand (G>T on the coding strand, the complement: C8B is on the minus strand). VCF-style: chr1-56940896-C-A. GRCh37 (hg19) VCF-style: chr1-57406569-C-A.
Other names: c.1195G>T, p.Glu399Ter (NM_001278543.2); c.1165G>T, p.Glu389Ter (NM_001278544.2); short protein forms E389*, E399*, E451*.
Identifiers: ClinVar variation 1448095 (VCV001448095.6), dbSNP rs2101385559, ClinGen allele CA340522221.